The following is an entry in ClinVar:

NM_000287.4(PEX6):c.1627G>A (p.Glu543Lys)

Gene: PEX6 (peroxisomal biogenesis factor 6; minus strand). Cytogenetic location: 6p21.1.
Variant type: single nucleotide variant.
Coding change: c.1627G>A on transcript NM_000287.4 (MANE Select); coding-DNA position 1627, G replaced by A.
Protein change: p.Glu543Lys; replaces glutamic acid 543 with lysine.
Molecular consequence: missense variant. On other transcripts: non-coding transcript variant (1).
Genome position (GRCh38, 1-based): chr6:42,968,351, C>T on the plus strand (G>A on the coding strand, the complement: PEX6 is on the minus strand). VCF-style: chr6-42968351-C-T. GRCh37 (hg19) VCF-style: chr6-42936089-C-T.
Other names: c.1363G>A, p.Glu455Lys (NM_001316313.2); short protein forms E543K, E455K.
Identifiers: ClinVar variation 1503845 (VCV001503845.6), dbSNP rs143549190, ClinGen allele CA3811278.

ClinVar aggregate classification (germline): Uncertain significance (1 of 4 stars; one submission).

Conditions:
Peroxisome biogenesis disorder. Identifiers: Orphanet 79189, MedGen C1832200, MONDO:0019234. Disease mechanism: loss of function.

Allele frequency attached by ClinVar (database versions not stated): gnomAD exomes below 0.00001; ExAC 0.00001; TOPMed 0.00001; ESP Exome Variant Server 0.00008.

Submission:

Labcorp Genetics (formerly Invitae), Labcorp
Classification: Uncertain significance for Peroxisome biogenesis disorder. Last evaluated: 2023-11-27. Review status: criteria provided, single submitter. Criteria: Invitae Variant Classification Sherloc (09022015). Collection method: clinical testing. Allele origin: germline.
Comment: This sequence change replaces glutamic acid, which is acidic and polar, with lysine, which is basic and polar, at codon 543 of the PEX6 protein (p.Glu543Lys). This variant is present in population databases (rs143549190, gnomAD 0.007%). This variant has not been reported in the literature in individuals affected with PEX6-related conditions. ClinVar contains an entry for this variant (Variation ID: 1503845). Advanced modeling of protein sequence and biophysical properties (such as structural, functional, and spatial information, amino acid conservation, physicochemical variation, residue mobility, and thermodynamic stability) performed at Invitae indicates that this missense variant is not expected to disrupt PEX6 protein function with a negative predictive value of 95%. In summary, the available evidence is currently insufficient to determine the role of this variant in disease. Therefore, it has been classified as a Variant of Uncertain Significance.